The following is an entry in ClinVar:

NM_006922.4(SCN3A):c.5968A>G (p.Ser1990Gly)

Gene: SCN3A (sodium voltage-gated channel alpha subunit 3; minus strand). Cytogenetic location: 2q24.3.
Variant type: single nucleotide variant.
Coding change: c.5968A>G on transcript NM_006922.4 (MANE Select); coding-DNA position 5968, A replaced by G.
Protein change: p.Ser1990Gly; replaces serine 1990 with glycine.
Molecular consequence: missense variant.
Genome position (GRCh38, 1-based): chr2:165,090,185, T>C on the plus strand (A>G on the coding strand, the complement: SCN3A is on the minus strand). VCF-style: chr2-165090185-T-C. GRCh37 (hg19) VCF-style: chr2-165946695-T-C.
Other names: c.5821A>G, p.Ser1941Gly (NM_001081676.2, NM_001081677.2); short protein forms S1941G, S1990G.
Identifiers: ClinVar variation 1977509 (VCV001977509.5), dbSNP rs2468035145, ClinGen allele CA349008930.
Genomic context (GRCh38, chr2:165,090,185, plus strand): 5'-CACAAAGATAATTCTTTGTTTCTTTTTACTTTTGATTTTCTCTGACCTCTTTTCCTTTGC[T>C]TTCTTTTTCTGGTTTGTCTTTCTCAAACTTTTCCTTGTCTGGTTTTGTTACACTATCATA-3'
Protein context (NP_008853.3, residues 1980-2000): KFEKDKPEKE[Ser1990Gly]KGKEVRENQK

ClinVar aggregate classification (germline): Uncertain significance (1 of 4 stars; one submission).

Submission:

Labcorp Genetics (formerly Invitae), Labcorp
Classification: Uncertain significance. Last evaluated: 2022-09-27. Review status: criteria provided, single submitter. Criteria: Invitae Variant Classification Sherloc (09022015). Collection method: clinical testing. Allele origin: germline.
Comment: Advanced modeling of protein sequence and biophysical properties (such as structural, functional, and spatial information, amino acid conservation, physicochemical variation, residue mobility, and thermodynamic stability) performed at Invitae indicates that this missense variant is not expected to disrupt SCN3A protein function. This sequence change replaces serine, which is neutral and polar, with glycine, which is neutral and non-polar, at codon 1990 of the SCN3A protein (p.Ser1990Gly). This variant is not present in population databases (gnomAD no frequency). This variant has not been reported in the literature in individuals affected with SCN3A-related conditions. In summary, the available evidence is currently insufficient to determine the role of this variant in disease. Therefore, it has been classified as a Variant of Uncertain Significance.